The following is an entry in ClinVar:

NM_001374736.1(DST):c.512C>T (p.Pro171Leu)

Genes: DST (dystonin; minus strand), DST-AS1 (DST antisense RNA 1; plus strand). Cytogenetic location: 6p12.1.
Variant type: single nucleotide variant.
Coding change: c.512C>T on transcript NM_001374736.1 (MANE Select); coding-DNA position 512, C replaced by T.
Protein change: p.Pro171Leu; replaces proline 171 with leucine.
Molecular consequence: missense variant.
Genome position (GRCh38, 1-based): chr6:56,851,510, G>A on the plus strand (C>T on the coding strand, the complement: DST is on the minus strand). VCF-style: chr6-56851510-G-A. GRCh37 (hg19) VCF-style: chr6-56716308-G-A.
Other names: p.Pro171Leu; c.512C>T, p.Pro171Leu (NM_001144769.5, NM_001374722.1); c.98C>T, p.Pro33Leu (NM_001144770.2); c.539C>T, p.Pro180Leu (NM_001374734.1); short protein forms P171L, P180L, P33L.
Identifiers: ClinVar variation 3379693 (VCV003379693.1).

ClinVar aggregate classification (germline): Uncertain significance (1 of 4 stars; one submission).

gnomAD v4.1: 16 of 1,613,908 alleles (0.00099%); highest among the groups gnomAD compares: South Asian, 0.0033%; no homozygotes.

Submission:

Mayo Clinic Laboratories, Mayo Clinic
Classification: Uncertain significance. Last evaluated: 2024-04-24. Review status: criteria provided, single submitter. Criteria: ACMG Guidelines, 2015. Collection method: clinical testing. Allele origin: germline. Observed: 1 variant allele.
Comment: PM2